The following is an entry in ClinVar:

NM_005993.5(TBCD):c.2578A>G (p.Thr860Ala)

Gene: TBCD (tubulin folding cofactor D). Cytogenetic location: 17q25.3.
Variant type: single nucleotide variant.
Coding change: c.2578A>G on transcript NM_005993.5 (MANE Select); coding-DNA position 2578, A replaced by G.
Protein change: p.Thr860Ala; replaces threonine 860 with alanine.
Molecular consequence: missense variant.
Genome position (GRCh38, 1-based): chr17:82,927,292, A>G. VCF-style: chr17-82927292-A-G. GRCh37 (hg19) VCF-style: chr17-80885168-A-G.
Other names: c.2527A>G, p.Thr843Ala (NM_001411101.1); c.2497A>G, p.Thr833Ala (NM_001411102.1); short protein forms T833A, T843A, T860A.
Identifiers: ClinVar variation 2421227 (VCV002421227.6), dbSNP rs1007785642, ClinGen allele CA295299104.

ClinVar aggregate classification (germline): Uncertain significance (1 of 4 stars; one submission).

Allele frequency attached by ClinVar (database versions not stated): gnomAD exomes below 0.00001; TOPMed below 0.00001.
gnomAD v4.1: 2 of 1,614,008 alleles (0.00012%); highest among the groups gnomAD compares: Admixed American, 0.0033%; no homozygotes.

Submission:

Labcorp Genetics (formerly Invitae), Labcorp
Classification: Uncertain significance. Last evaluated: 2024-11-04. Review status: criteria provided, single submitter. Criteria: Invitae Variant Classification Sherloc (09022015). Collection method: clinical testing. Allele origin: germline.
Comment: This sequence change replaces threonine, which is neutral and polar, with alanine, which is neutral and non-polar, at codon 860 of the TBCD protein (p.Thr860Ala). This variant is not present in population databases (gnomAD no frequency). This variant has not been reported in the literature in individuals affected with TBCD-related conditions. ClinVar contains an entry for this variant (Variation ID: 2421227). Invitae Evidence Modeling of protein sequence and biophysical properties (such as structural, functional, and spatial information, amino acid conservation, physicochemical variation, residue mobility, and thermodynamic stability) has been performed for this missense variant. However, the output from this modeling did not meet the statistical confidence thresholds required to predict the impact of this variant on TBCD protein function. In summary, the available evidence is currently insufficient to determine the role of this variant in disease. Therefore, it has been classified as a Variant of Uncertain Significance.